The following is an entry in ClinVar:

NM_199242.3(UNC13D):c.745A>G (p.Arg249Gly)

Gene: UNC13D (unc-13 homolog D; minus strand). Cytogenetic location: 17q25.1.
Variant type: single nucleotide variant.
Coding change: c.745A>G on transcript NM_199242.3 (MANE Select); coding-DNA position 745, A replaced by G.
Protein change: p.Arg249Gly; replaces arginine 249 with glycine.
Molecular consequence: missense variant.
Genome position (GRCh38, 1-based): chr17:75,840,515, T>C on the plus strand (A>G on the coding strand, the complement: UNC13D is on the minus strand). VCF-style: chr17-75840515-T-C. GRCh37 (hg19) VCF-style: chr17-73836596-T-C.
Other names: short protein forms R249G.
Identifiers: ClinVar variation 1980728 (VCV001980728.4), dbSNP rs2545985516, ClinGen allele CA401110067.

ClinVar aggregate classification (germline): Uncertain significance (1 of 4 stars; one submission).

Conditions:
Familial hemophagocytic lymphohistiocytosis 3 (FHL3). Also called: UNC13D-Related Familial Hemophagocytic Lymphohistiocytosis (UNC13D-fHLH). Identifiers: Orphanet 540, MedGen C1837174, MONDO:0012146, OMIM 608898.

Allele frequency attached by ClinVar (database versions not stated): gnomAD exomes below 0.00001.
gnomAD v4.1: 1 of 1,612,176 alleles (0.000062%); highest among the groups gnomAD compares: Admixed American, 0.0017%; no homozygotes.

Submission:

Labcorp Genetics (formerly Invitae), Labcorp
Classification: Uncertain significance for Familial hemophagocytic lymphohistiocytosis 3. Last evaluated: 2023-11-28. Review status: criteria provided, single submitter. Criteria: Invitae Variant Classification Sherloc (09022015). Collection method: clinical testing. Allele origin: germline.
Comment: This sequence change replaces arginine, which is basic and polar, with glycine, which is neutral and non-polar, at codon 249 of the UNC13D protein (p.Arg249Gly). This variant is not present in population databases (gnomAD no frequency). This variant has not been reported in the literature in individuals affected with UNC13D-related conditions. ClinVar contains an entry for this variant (Variation ID: 1980728). Advanced modeling of protein sequence and biophysical properties (such as structural, functional, and spatial information, amino acid conservation, physicochemical variation, residue mobility, and thermodynamic stability) performed at Invitae indicates that this missense variant is not expected to disrupt UNC13D protein function with a negative predictive value of 80%. In summary, the available evidence is currently insufficient to determine the role of this variant in disease. Therefore, it has been classified as a Variant of Uncertain Significance.